The following is an entry in ClinVar:

ClinVar aggregate classification (germline): Uncertain significance (1 of 4 stars; one submission).

Conditions:
Propionic acidemia (PROP). Also called: GLYCINEMIA, KETOTIC; HYPERGLYCINEMIA WITH KETOACIDOSIS AND LEUKOPENIA; KETOTIC HYPERGLYCINEMIA. Identifiers: Orphanet 35, MedGen C0268579, MONDO:0011628, OMIM 606054, HP:0003571.

Submission:

Labcorp Genetics (formerly Invitae), Labcorp
Classification: Uncertain significance for Propionic acidemia. Last evaluated: 2025-09-17. Review status: criteria provided, single submitter. Criteria: Invitae Variant Classification Sherloc (09022015). Collection method: clinical testing. Allele origin: germline.
Comment: This sequence change replaces valine, which is neutral and non-polar, with methionine, which is neutral and non-polar, at codon 689 of the PCCA protein (p.Val689Met). This variant is not present in population databases (gnomAD no frequency). This variant has not been reported in the literature in individuals affected with PCCA-related conditions. Invitae Evidence Modeling of protein sequence and biophysical properties (such as structural, functional, and spatial information, amino acid conservation, physicochemical variation, residue mobility, and thermodynamic stability) has been performed for this missense variant. However, the output from this modeling did not meet the statistical confidence thresholds required to predict the impact of this variant on PCCA protein function. In summary, the available evidence is currently insufficient to determine the role of this variant in disease. Therefore, it has been classified as a Variant of Uncertain Significance.

NM_000282.4(PCCA):c.2065G>A (p.Val689Met)

Gene: PCCA (propionyl-CoA carboxylase subunit alpha; plus strand). Cytogenetic location: 13q32.3.
Variant type: single nucleotide variant.
Coding change: c.2065G>A on transcript NM_000282.4 (MANE Select); coding-DNA position 2065, G replaced by A.
Protein change: p.Val689Met; replaces valine 689 with methionine.
Molecular consequence: missense variant. On other transcripts: non-coding transcript variant (5).
Genome position (GRCh38, 1-based): chr13:100,527,699, G>A. VCF-style: chr13-100527699-G-A. GRCh37 (hg19) VCF-style: chr13-101179953-G-A.
Other names: c.1987G>A, p.Val663Met (NM_001127692.3); c.1924G>A, p.Val642Met (NM_001178004.2); c.2011G>A, p.Val671Met (NM_001352605.2); c.1921G>A, p.Val641Met (NM_001352606.2); c.1846G>A, p.Val616Met (NM_001352607.2); c.1843G>A, p.Val615Met (NM_001352608.2); c.1120G>A, p.Val374Met (NM_001352610.2); c.1066G>A, p.Val356Met (NM_001352611.2); and 1 more; short protein forms V374M, V641M, V671M, V326M, V689M, V356M, V615M, V616M.
Identifiers: ClinVar variation 4766356 (VCV004766356.1).